The following is an entry in ClinVar:

NM_014159.7(SETD2):c.3607C>T (p.Pro1203Ser)

Gene: SETD2 (SET domain containing 2, histone lysine methyltransferase; minus strand). Cytogenetic location: 3p21.31.
Variant type: single nucleotide variant.
Coding change: c.3607C>T on transcript NM_014159.7 (MANE Select); coding-DNA position 3607, C replaced by T.
Protein change: p.Pro1203Ser; replaces proline 1203 with serine.
Molecular consequence: missense variant. On other transcripts: non-coding transcript variant (1).
Genome position (GRCh38, 1-based): chr3:47,121,029, G>A on the plus strand (C>T on the coding strand, the complement: SETD2 is on the minus strand). VCF-style: chr3-47121029-G-A. GRCh37 (hg19) VCF-style: chr3-47162519-G-A.
Other names: c.3475C>T, p.Pro1159Ser (NM_001349370.3); short protein forms P1159S, P1203S.
Identifiers: ClinVar variation 1313355 (VCV001313355.2), dbSNP rs2107748847, ClinGen allele CA352521842.

ClinVar aggregate classification (germline): Uncertain significance (1 of 4 stars; one submission).

Submission:

GeneDx
Classification: Uncertain significance. Last evaluated: 2020-10-21. Review status: criteria provided, single submitter. Criteria: GeneDx Variant Classification Process June 2021. Collection method: clinical testing. Allele origin: germline. Affected: yes.
Comment: Not observed in large population cohorts (Lek et al., 2016); In silico analysis supports that this missense variant has a deleterious effect on protein structure/function; Has not been previously published as pathogenic or benign to our knowledge